The following is an entry in ClinVar:

NM_000419.5(ITGA2B):c.2010C>G (p.Asn670Lys)

Gene: ITGA2B (integrin subunit alpha 2b; minus strand). Cytogenetic location: 17q21.31.
Variant type: single nucleotide variant.
Coding change: c.2010C>G on transcript NM_000419.5 (MANE Select); coding-DNA position 2010, C replaced by G.
Protein change: p.Asn670Lys; replaces asparagine 670 with lysine.
Molecular consequence: missense variant.
Genome position (GRCh38, 1-based): chr17:44,378,446, G>C on the plus strand (C>G on the coding strand, the complement: ITGA2B is on the minus strand). VCF-style: chr17-44378446-G-C. GRCh37 (hg19) VCF-style: chr17-42455814-G-C.
Other names: c.2010C>G (NM_000419.4); short protein forms N670K.
Identifiers: ClinVar variation 3710730 (VCV003710730.3).
Genomic context (GRCh38, chr17:44,378,446, plus strand): 5'-GTAGTGGGCGCCCTGGGGCAGGTGCACGGCCAGCTCTGCTTCATAGGCCCCCTCGCCCTC[G>C]TTGGCTGCGTCCATCTGCAGCTCCAGGACATTATCTGCCCCAACTAGGAGCGGGGAGCCC-3'
Protein context (NP_000410.2, residues 660-680): NVLELQMDAA[Asn670Lys]EGEGAYEAEL

ClinVar aggregate classification (germline): Uncertain significance. Review status: criteria provided, multiple submitters, no conflicts (2 of 4 stars). 2 submissions from 2 submitters: Uncertain significance (2). Last evaluated 2026-02-15.

Conditions:
ITGA2B-related disorder. Also called: ITGA2B-related condition; ITGA2B-related disorders.
Glanzmann thrombasthenia. Also called: THROMBASTHENIA OF GLANZMANN AND NAEGELI; Thrombasthenia; PLATELET GLYCOPROTEIN IIb-IIIa DEFICIENCY; Glanzmann's thrombasthenia. Identifiers: Orphanet 849, MedGen C0040015, MONDO:0100326.

gnomAD v4.1: 17 of 1,613,412 alleles (0.0011%); highest among the groups gnomAD compares: Admixed American, 0.0017%; no homozygotes.

Submissions (2):

PreventionGenetics, part of Exact Sciences
Classification: Uncertain significance for ITGA2B-related condition. Last evaluated: 2026-02-15. Review status: criteria provided, single submitter. Criteria: ACMG Guidelines, 2015. Collection method: clinical testing. Allele origin: germline.
Comment: The ITGA2B c.2010C>G variant is predicted to result in the amino acid substitution p.Asn670Lys. To our knowledge, this variant has not been reported in the literature or in a large population database (gnomAD), indicating this variant is rare. At this time, the clinical significance of this variant is uncertain due to the absence of conclusive functional and genetic evidence.

Labcorp Genetics (formerly Invitae), Labcorp
Classification: Uncertain significance for Glanzmann thrombasthenia. Last evaluated: 2024-07-03. Review status: criteria provided, single submitter. Criteria: Invitae Variant Classification Sherloc (09022015). Collection method: clinical testing. Allele origin: germline.
Comment: This sequence change replaces asparagine, which is neutral and polar, with lysine, which is basic and polar, at codon 670 of the ITGA2B protein (p.Asn670Lys). This variant is not present in population databases (gnomAD no frequency). This variant has not been reported in the literature in individuals affected with ITGA2B-related conditions. Advanced modeling of protein sequence and biophysical properties (such as structural, functional, and spatial information, amino acid conservation, physicochemical variation, residue mobility, and thermodynamic stability) performed at Invitae indicates that this missense variant is expected to disrupt ITGA2B protein function with a positive predictive value of 80%. In summary, the available evidence is currently insufficient to determine the role of this variant in disease. Therefore, it has been classified as a Variant of Uncertain Significance.